The following is an entry in ClinVar:

NM_006767.4(LZTR1):c.1672del (p.Gln558fs)

Gene: LZTR1 (leucine zipper like post translational regulator 1; plus strand). Cytogenetic location: 22q11.21.
Variant type: Deletion.
Coding change: c.1672del on transcript NM_006767.4 (MANE Select); coding-DNA position 1672, one base deleted (C; older notation c.1672delC).
Protein change: p.Gln558fs; shifts the reading frame from glutamine 558.
Molecular consequence: frameshift variant.
Genome position (GRCh38, 1-based): chr22:20,994,614, C deleted; the last of 2 consecutive C bases (chr22:20,994,613-20,994,614); deleting either gives the same sequence. VCF-style (leftmost placement, unchanged base first): chr22-20994612-TC-T. GRCh37 (hg19) VCF-style: chr22-21348901-TC-T.
Other names: short protein forms Q558fs.
Identifiers: ClinVar variation 3677019 (VCV003677019.3).
Genomic context (GRCh38, chr22:20,994,612, plus strand): 5'-GCGCAGGCCATGTGGAGGATGTGCTGCTCATCATGGATGTGTACAAACTGGCACTGAGCT[TC>T]CAGTTGTGCCGCCTGGAGCAGCTGTGCCGCCAGTACATCGAGGCCTCCGTGGACCTGCAG-3'

ClinVar aggregate classification (germline): Conflicting classifications of pathogenicity. Review status: criteria provided, conflicting classifications (1 of 4 stars). 2 submissions from 2 submitters: Pathogenic (1); Uncertain significance (1). Last evaluated 2025-12-16.

Conditions:
Noonan syndrome 10 (NS10). Identifiers: Orphanet 648, MedGen C4225280, MONDO:0014693, OMIM 616564.
LZTR1-related schwannomatosis. Also called: Schwannomatosis-2, susceptibility to; Schwannomatosis 2. Identifiers: Orphanet 93921, MedGen C3810283, MONDO:0014299, OMIM 615670.
Noonan syndrome 2 (NS2). Identifiers: Orphanet 648, MedGen C1854469, MONDO:0011531, OMIM 605275.

Submissions (2):

Labcorp Genetics (formerly Invitae), Labcorp
Classification: Pathogenic. Last evaluated: 2025-12-16. Review status: criteria provided, single submitter. Criteria: Invitae Variant Classification Sherloc (09022015). Collection method: clinical testing. Allele origin: germline.
Comment: This sequence change creates a premature translational stop signal (p.Gln558Serfs*34) in the LZTR1 gene. It is expected to result in an absent or disrupted protein product. Loss-of-function variants in LZTR1 are known to be pathogenic (PMID: 24362817, 25335493, 25480913, 25795793, 29469822, 30368668, 30442762, 30442766, 30481304, 30859559). This variant is not present in population databases (gnomAD no frequency). This variant has not been reported in the literature in individuals affected with LZTR1-related conditions. ClinVar contains an entry for this variant (Variation ID: 3677019). Algorithms developed to predict the effect of sequence changes on RNA splicing suggest that this variant may disrupt the consensus splice site. For these reasons, this variant has been classified as Pathogenic.

Molecular Genetics Department, Kulakov National Medical Research Center for Obstetrics, Gynecology and Perinatology
Classification: Uncertain significance for Noonan syndrome 2; LZTR1-related schwannomatosis; Noonan syndrome 10. Review status: criteria provided, single submitter. Criteria: ACMG Guidelines, 2015. Collection method: clinical testing. Allele origin: germline. Affected: yes. Observed: 1 variant allele.
Comment: A previously undescribed heterozygous nucleotide variant creates a frameshift p.Gln558SerfsTer34 in the LZTR1 gene. Heterozygous variants are reported in patients with Noonan syndrome 10, 616564; {Schwannomatosis-2, susceptibility to}, 615670. Homozygous and compound heterozygous variants are reported in patients with Noonan syndrome 2, 605275. The variant is not present in population database (gnomAD no frequency). The variant is found in trans-position with the LZTR1 variant (NM_006767.4:c.2326A>T). In summary, the currently available evidence indicates that the variant is pathogenic, but additional data are needed to prove that conclusively. Therefore, this variant has been classified as uncertain significance.

Literature cited by the submitters: PubMed 24362817 (cited by Labcorp Genetics (formerly Invitae), Labcorp); PubMed 25335493 (cited by Labcorp Genetics (formerly Invitae), Labcorp); PubMed 25480913 (cited by Labcorp Genetics (formerly Invitae), Labcorp); PubMed 25795793 (cited by Labcorp Genetics (formerly Invitae), Labcorp); PubMed 29469822 (cited by Labcorp Genetics (formerly Invitae), Labcorp); PubMed 30368668 (cited by Labcorp Genetics (formerly Invitae), Labcorp); PubMed 30442762 (cited by Labcorp Genetics (formerly Invitae), Labcorp); PubMed 30442766 (cited by Labcorp Genetics (formerly Invitae), Labcorp); PubMed 30481304 (cited by Labcorp Genetics (formerly Invitae), Labcorp); PubMed 30859559 (cited by Labcorp Genetics (formerly Invitae), Labcorp).